The following is an entry in ClinVar:

NM_020919.4(ALS2):c.4107G>A (p.Arg1369=)

Gene: ALS2 (alsin Rho guanine nucleotide exchange factor ALS2; minus strand). Cytogenetic location: 2q33.1.
Variant type: single nucleotide variant.
Coding change: c.4107G>A on transcript NM_020919.4 (MANE Select); coding-DNA position 4107, G replaced by A.
Protein change: p.Arg1369=; no amino-acid change (arginine 1369 retained).
Molecular consequence: synonymous variant.
Genome position (GRCh38, 1-based): chr2:201,711,006, C>T on the plus strand (G>A on the coding strand, the complement: ALS2 is on the minus strand). VCF-style: chr2-201711006-C-T. GRCh37 (hg19) VCF-style: chr2-202575729-C-T.
Identifiers: ClinVar variation 1121306 (VCV001121306.23), dbSNP rs779286010, ClinGen allele CA2057671.
Genomic context (GRCh38, chr2:201,711,006, plus strand): 5'-GAATCATTAATTCACAAGACCAATGTAATTTTTACTCTAGTTTACCTTTATTAAATATTT[C>T]CTGATGTCATCATATTTCTCCACAGAGAAGGCACCAACATGCTGTGGAATGAATTCCAAA-3'
Protein context (NP_065970.2, residues 1359-1379): AFSVEKYDDI[Arg1369=]KYLIKACDTP

ClinVar aggregate classification (germline): Conflicting classifications of pathogenicity. Review status: criteria provided, conflicting classifications (1 of 4 stars). 2 submissions from 2 submitters: Uncertain significance (1); Likely benign (1). Last evaluated 2025-11-23.

Conditions:
Infantile-onset ascending hereditary spastic paralysis (IAHSP). Also called: Autosomal Recessive Juvenile Amyotrophic Lateral Sclerosis; Infantile-Onset Ascending Hereditary Spastic Paralysis (IAHSP). Identifiers: Orphanet 293168, MedGen C2931441, MONDO:0011797, OMIM 607225. Disease mechanism: loss of function.

Allele frequency attached by ClinVar (database versions not stated): ExAC 0.00001; gnomAD exomes 0.00004 and 0.00009; TOPMed 0.00006; gnomAD 0.00007.
gnomAD v4.1: 149 of 1,599,030 alleles (0.0093%); highest among the groups gnomAD compares: Non-Finnish European, 0.011%; no homozygotes.

Submissions (2):

Labcorp Genetics (formerly Invitae), Labcorp
Classification: Likely benign for Infantile-onset ascending hereditary spastic paralysis. Last evaluated: 2025-11-23. Review status: criteria provided, single submitter. Criteria: Invitae Variant Classification Sherloc (09022015). Collection method: clinical testing. Allele origin: germline.

CeGaT Center for Human Genetics Tuebingen
Classification: Uncertain significance. Last evaluated: 2024-10-01. Review status: criteria provided, single submitter. Criteria: CeGaT Center For Human Genetics Tuebingen Variant Classification Criteria Version 2. Collection method: clinical testing. Allele origin: germline. Affected: yes. Observed: 1 variant allele.
Comment: ALS2: PM2, BP4